The following is an entry in ClinVar:

NM_032043.3(BRIP1):c.2811T>A (p.Asp937Glu)

Gene: BRIP1 (BRCA1 interacting DNA helicase 1; minus strand). Cytogenetic location: 17q23.2.
Variant type: single nucleotide variant.
Coding change: c.2811T>A on transcript NM_032043.3 (MANE Select); coding-DNA position 2811, T replaced by A.
Protein change: p.Asp937Glu; replaces aspartic acid 937 with glutamic acid.
Molecular consequence: missense variant.
Genome position (GRCh38, 1-based): chr17:61,685,930, A>T on the plus strand (T>A on the coding strand, the complement: BRIP1 is on the minus strand). VCF-style: chr17-61685930-A-T. GRCh37 (hg19) VCF-style: chr17-59763291-A-T.
Other names: short protein forms D937E.
Identifiers: ClinVar variation 1796341 (VCV001796341.3), dbSNP rs374335608, ClinGen allele CA400481483.

ClinVar aggregate classification (germline): Uncertain significance (1 of 4 stars; one submission).

Conditions:
Hereditary cancer-predisposing syndrome. Also called: Tumor predisposition; Hereditary Cancer Syndrome; Neoplastic Syndromes, Hereditary; Hereditary neoplastic syndrome. Identifiers: Orphanet 140162, MedGen C0027672, MeSH D009386, MONDO:0015356.

Submission:

Ambry Genetics
Classification: Uncertain significance for Hereditary cancer-predisposing syndrome. Last evaluated: 2024-08-17. Review status: criteria provided, single submitter. Criteria: Ambry Variant Classification Scheme 2023. Collection method: clinical testing. Allele origin: germline.
Comment: The p.D937E variant (also known as c.2811T>A), located in coding exon 18 of the BRIP1 gene, results from a T to A substitution at nucleotide position 2811. The aspartic acid at codon 937 is replaced by glutamic acid, an amino acid with highly similar properties. This amino acid position is not well conserved in available vertebrate species. In addition, this alteration is predicted to be tolerated by in silico analysis. Since supporting evidence is limited at this time, the clinical significance of this alteration remains unclear.